The following is an entry in ClinVar:

NM_032119.4(ADGRV1):c.13538C>T (p.Pro4513Leu)

Gene: ADGRV1 (adhesion G protein-coupled receptor V1; plus strand). Cytogenetic location: 5q14.3.
Variant type: single nucleotide variant.
Coding change: c.13538C>T on transcript NM_032119.4 (MANE Select); coding-DNA position 13538, C replaced by T.
Protein change: p.Pro4513Leu; replaces proline 4513 with leucine.
Molecular consequence: missense variant. On other transcripts: non-coding transcript variant (1).
Genome position (GRCh38, 1-based): chr5:90,783,942, C>T. VCF-style: chr5-90783942-C-T. GRCh37 (hg19) VCF-style: chr5-90079759-C-T.
Other names: short protein forms P4513L.
Identifiers: ClinVar variation 4847184 (VCV004847184.1).

ClinVar aggregate classification (germline): Uncertain significance (1 of 4 stars; one submission).

Submission:

Women's Health and Genetics/Laboratory Corporation of America, LabCorp
Classification: Uncertain significance. Last evaluated: 2026-03-17. Review status: criteria provided, single submitter. Criteria: LabCorp Variant Classification Summary - May 2015. Collection method: clinical testing. Allele origin: germline.
Comment: Variant summary: ADGRV1 c.13538C>T (p.Pro4513Leu) results in a non-conservative amino acid change in the encoded protein sequence. Algorithms developed to predict the effect of missense changes on protein structure and function are either unavailable or do not agree on the potential impact of this missense change. The frequency data for this variant in gnomAD is considered unreliable, as metrics indicate poor data quality at this position. To our knowledge, no occurrence of c.13538C>T in individuals affected with ADGRV1-related conditions and no experimental evidence demonstrating its impact on protein function have been reported. No submitters have cited clinical-significance assessments for this variant to ClinVar. Based on the evidence outlined above, the variant was classified as uncertain significance.